The following is an entry in ClinVar:

NM_000426.4(LAMA2):c.9106C>A (p.Arg3036Ser)

Gene: LAMA2 (laminin subunit alpha 2; plus strand). Cytogenetic location: 6q22.33.
Variant type: single nucleotide variant.
Coding change: c.9106C>A on transcript NM_000426.4 (MANE Select); coding-DNA position 9106, C replaced by A.
Protein change: p.Arg3036Ser; replaces arginine 3036 with serine.
Molecular consequence: missense variant.
Genome position (GRCh38, 1-based): chr6:129,514,490, C>A. VCF-style: chr6-129514490-C-A. GRCh37 (hg19) VCF-style: chr6-129835635-C-A.
Other names: c.9106C>A (NM_000426.3); c.9094C>A, p.Arg3032Ser (NM_001079823.2); short protein forms R3032S, R3036S.
Identifiers: ClinVar variation 1007376 (VCV001007376.6), dbSNP rs770673446, ClinGen allele CA146927684.
Genomic context (GRCh38, chr6:129,514,490, plus strand): 5'-GTTCCAGGGCATTTGTGTGATGGACAATGGCATAAAGTCACTGCCAACAAGATCAAACAC[C>A]GCATTGAGCTCACAGTCGATGGGAACCAGGTGGAAGCCCAAAGCCCAAACCCAGCATCTA-3'
Protein context (NP_000417.3, residues 3026-3046): HKVTANKIKH[Arg3036Ser]IELTVDGNQV

ClinVar aggregate classification (germline): Uncertain significance. Review status: criteria provided, multiple submitters, no conflicts (2 of 4 stars). 2 submissions from 2 submitters: Uncertain significance (2). Last evaluated 2022-07-19.

Conditions:
LAMA2-related muscular dystrophy (LAMA2-RD). Also called: Laminin alpha 2-related dystrophy. Identifiers: MedGen C5679788, MONDO:0100228.

Allele frequency attached by ClinVar (database versions not stated): gnomAD 0.00001; TOPMed 0.00002.
gnomAD v4.1: 6 of 1,613,922 alleles (0.00037%); highest among the groups gnomAD compares: African/African-American, 0.0013%; no homozygotes.

Submissions (2):

Labcorp Genetics (formerly Invitae), Labcorp
Classification: Uncertain significance for LAMA2-related muscular dystrophy. Last evaluated: 2022-07-19. Review status: criteria provided, single submitter. Criteria: Invitae Variant Classification Sherloc (09022015). Collection method: clinical testing. Allele origin: germline.
Comment: This sequence change replaces arginine, which is basic and polar, with serine, which is neutral and polar, at codon 3036 of the LAMA2 protein (p.Arg3036Ser). This variant is present in population databases (no rsID available, gnomAD 0.004%). This variant has not been reported in the literature in individuals affected with LAMA2-related conditions. ClinVar contains an entry for this variant (Variation ID: 1007376). Advanced modeling of protein sequence and biophysical properties (such as structural, functional, and spatial information, amino acid conservation, physicochemical variation, residue mobility, and thermodynamic stability) performed at Invitae indicates that this missense variant is not expected to disrupt LAMA2 protein function. In summary, the available evidence is currently insufficient to determine the role of this variant in disease. Therefore, it has been classified as a Variant of Uncertain Significance.

Revvity Omics, Revvity
Classification: Uncertain significance. Last evaluated: 2021-09-27. Review status: criteria provided, single submitter. Criteria: ACMG Guidelines, 2015. Collection method: clinical testing. Allele origin: germline.